The following is an entry in ClinVar:

ClinVar aggregate classification (germline): Uncertain significance (1 of 4 stars; one submission).

Submission:

Labcorp Genetics (formerly Invitae), Labcorp
Classification: Uncertain significance. Last evaluated: 2024-05-29. Review status: criteria provided, single submitter. Criteria: Invitae Variant Classification Sherloc (09022015). Collection method: clinical testing. Allele origin: germline.
Comment: This sequence change creates a premature translational stop signal (p.Trp251*) in the PSMG2 gene. While this is not anticipated to result in nonsense mediated decay, it is expected to disrupt the last 14 amino acid(s) of the PSMG2 protein. This variant is not present in population databases (gnomAD no frequency). This variant has not been reported in the literature in individuals affected with PSMG2-related conditions. Algorithms developed to predict the effect of sequence changes on RNA splicing suggest that this variant may disrupt the consensus splice site. In summary, the available evidence is currently insufficient to determine the role of this variant in disease. Therefore, it has been classified as a Variant of Uncertain Significance.

NM_020232.5(PSMG2):c.752G>A (p.Trp251Ter)

Gene: PSMG2 (proteasome assembly chaperone 2; plus strand). Cytogenetic location: 18p11.21.
Variant type: single nucleotide variant.
Coding change: c.752G>A on transcript NM_020232.5 (MANE Select); coding-DNA position 752, G replaced by A.
Protein change: p.Trp251Ter; replaces tryptophan 251 with a stop codon.
Molecular consequence: nonsense.
Genome position (GRCh38, 1-based): chr18:12,725,488, G>A. VCF-style: chr18-12725488-G-A. GRCh37 (hg19) VCF-style: chr18-12725487-G-A.
Other names: c.659G>A, p.Trp220Ter (NM_147163.2); short protein forms W220*, W251*.
Identifiers: ClinVar variation 3654953 (VCV003654953.2).